The following is an entry in ClinVar:

NM_001277115.2(DNAH11):c.7776C>A (p.His2592Gln)

Gene: DNAH11 (dynein axonemal heavy chain 11; plus strand). Cytogenetic location: 7p15.3.
Variant type: single nucleotide variant.
Coding change: c.7776C>A on transcript NM_001277115.2 (MANE Select); coding-DNA position 7776, C replaced by A.
Protein change: p.His2592Gln; replaces histidine 2592 with glutamine.
Molecular consequence: missense variant.
Genome position (GRCh38, 1-based): chr7:21,738,831, C>A. VCF-style: chr7-21738831-C-A. GRCh37 (hg19) VCF-style: chr7-21778449-C-A.
Other names: short protein forms H2592Q.
Identifiers: ClinVar variation 525343 (VCV000525343.14), dbSNP rs1109806, ClinGen allele CA366950554.

ClinVar aggregate classification (germline): Uncertain significance (1 of 4 stars; one submission).

Conditions:
Primary ciliary dyskinesia. Also called: Ciliary dyskinesia. Identifiers: Orphanet 244, MedGen C0008780, MONDO:0016575, HP:0012265.

gnomAD v4.1: 3 of 1,604,798 alleles (0.00019%); highest among the groups gnomAD compares: Admixed American, 0.0034%; no homozygotes.

Submission:

Labcorp Genetics (formerly Invitae), Labcorp
Classification: Uncertain significance for Primary ciliary dyskinesia. Last evaluated: 2021-09-01. Review status: criteria provided, single submitter. Criteria: Invitae Variant Classification Sherloc (09022015). Collection method: clinical testing. Allele origin: germline.
Comment: This sequence change replaces histidine with glutamine at codon 2592 of the DNAH11 protein (p.His2592Gln). The histidine residue is highly conserved and there is a small physicochemical difference between histidine and glutamine. This variant is not present in population databases (ExAC no frequency). This variant has not been reported in the literature in individuals affected with DNAH11-related conditions. Algorithms developed to predict the effect of missense changes on protein structure and function are either unavailable or do not agree on the potential impact of this missense change (SIFT: "Tolerated"; PolyPhen-2: "Probably Damaging"; Align-GVGD: "Class C0"). In summary, the available evidence is currently insufficient to determine the role of this variant in disease. Therefore, it has been classified as a Variant of Uncertain Significance.